The following is an entry in ClinVar:

ClinVar aggregate classification (germline): Uncertain significance (1 of 4 stars; one submission).

Conditions:
Inborn genetic diseases. Identifiers: MedGen C0950123, MeSH D030342.

Submission:

Ambry Genetics
Classification: Uncertain significance for Inborn genetic diseases. Last evaluated: 2023-05-14. Review status: criteria provided, single submitter. Criteria: Ambry Variant Classification Scheme 2023. Collection method: clinical testing. Allele origin: germline.
Comment: The p.L631V variant (also known as c.1891C>G), located in coding exon 15 of the BUB1B gene, results from a C to G substitution at nucleotide position 1891. The leucine at codon 631 is replaced by valine, an amino acid with highly similar properties. This amino acid position is conserved. In addition, this alteration is predicted to be tolerated by in silico analysis. Since supporting evidence is limited at this time, the clinical significance of this alteration remains unclear.

NM_001211.6(BUB1B):c.1891C>G (p.Leu631Val)

Gene: BUB1B (BUB1 mitotic checkpoint serine/threonine kinase B; plus strand). Cytogenetic location: 15q15.1.
Variant type: single nucleotide variant.
Coding change: c.1891C>G on transcript NM_001211.6 (MANE Select); coding-DNA position 1891, C replaced by G.
Protein change: p.Leu631Val; replaces leucine 631 with valine.
Molecular consequence: missense variant.
Genome position (GRCh38, 1-based): chr15:40,206,340, C>G. VCF-style: chr15-40206340-C-G. GRCh37 (hg19) VCF-style: chr15-40498541-C-G.
Other names: short protein forms L631V.
Identifiers: ClinVar variation 2562100 (VCV002562100.2), dbSNP rs2542564920, ClinGen allele CA391692623.